The following is an entry in ClinVar:

ClinVar aggregate classification (germline): Uncertain significance (1 of 4 stars; one submission).

Conditions:
Paroxysmal nonkinesigenic dyskinesia. Also called: Paroxysmal non-kinesigenic dyskinesia. Identifiers: Orphanet 98810, MedGen C1869117, MONDO:0700088.

Allele frequency attached by ClinVar (database versions not stated): gnomAD exomes below 0.00001; ExAC 0.00001.

Submission:

Labcorp Genetics (formerly Invitae), Labcorp
Classification: Uncertain significance for Paroxysmal nonkinesigenic dyskinesia. Last evaluated: 2022-06-18. Review status: criteria provided, single submitter. Criteria: Invitae Variant Classification Sherloc (09022015). Collection method: clinical testing. Allele origin: germline.
Comment: In summary, the available evidence is currently insufficient to determine the role of this variant in disease. Therefore, it has been classified as a Variant of Uncertain Significance. Algorithms developed to predict the effect of missense changes on protein structure and function (SIFT, PolyPhen-2, Align-GVGD) all suggest that this variant is likely to be tolerated. This variant has not been reported in the literature in individuals affected with PNKD-related conditions. This variant is present in population databases (rs767501883, gnomAD 0.0009%). This sequence change replaces alanine, which is neutral and non-polar, with valine, which is neutral and non-polar, at codon 26 of the PNKD protein (p.Ala26Val).

NM_015488.5(PNKD):c.77C>T (p.Ala26Val)

Gene: PNKD (PNKD metallo-beta-lactamase domain containing; plus strand). Cytogenetic location: 2q35.
Variant type: single nucleotide variant.
Coding change: c.77C>T on transcript NM_015488.5 (MANE Select); coding-DNA position 77, C replaced by T.
Protein change: p.Ala26Val; replaces alanine 26 with valine.
Molecular consequence: missense variant.
Genome position (GRCh38, 1-based): chr2:218,271,390, C>T. VCF-style: chr2-218271390-C-T. GRCh37 (hg19) VCF-style: chr2-219136113-C-T.
Other names: c.77C>T, p.Ala26Val (NM_001077399.3); short protein forms A26V.
Identifiers: ClinVar variation 2004908 (VCV002004908.4), dbSNP rs767501883, ClinGen allele CA2103246.